The following is an entry in ClinVar:

ClinVar aggregate classification (germline): Uncertain significance (1 of 4 stars; one submission).

Allele frequency attached by ClinVar (database versions not stated): gnomAD exomes below 0.00001.
gnomAD v4.1: 4 of 1,612,306 alleles (0.00025%); highest among the groups gnomAD compares: South Asian, 0.0044%; no homozygotes.

Submission:

Labcorp Genetics (formerly Invitae), Labcorp
Classification: Uncertain significance. Last evaluated: 2021-12-02. Review status: criteria provided, single submitter. Criteria: Invitae Variant Classification Sherloc (09022015). Collection method: clinical testing. Allele origin: germline.
Comment: In summary, the available evidence is currently insufficient to determine the role of this variant in disease. Therefore, it has been classified as a Variant of Uncertain Significance. Algorithms developed to predict the effect of missense changes on protein structure and function output the following: SIFT: "Tolerated"; PolyPhen-2: "Benign"; Align-GVGD: "Class C0". The histidine amino acid residue is found in multiple mammalian species, which suggests that this missense change does not adversely affect protein function. This variant has not been reported in the literature in individuals affected with NEUROD1-related conditions. This variant is not present in population databases (gnomAD no frequency). This sequence change replaces asparagine, which is neutral and polar, with histidine, which is basic and polar, at codon 47 of the NEUROD1 protein (p.Asn47His).

NM_002500.5(NEUROD1):c.139A>C (p.Asn47His)

Gene: NEUROD1 (neuronal differentiation 1; minus strand). Cytogenetic location: 2q31.3.
Variant type: single nucleotide variant.
Coding change: c.139A>C on transcript NM_002500.5 (MANE Select); coding-DNA position 139, A replaced by C.
Protein change: p.Asn47His; replaces asparagine 47 with histidine.
Molecular consequence: missense variant.
Genome position (GRCh38, 1-based): chr2:181,678,722, T>G on the plus strand (A>C on the coding strand, the complement: NEUROD1 is on the minus strand). VCF-style: chr2-181678722-T-G. GRCh37 (hg19) VCF-style: chr2-182543449-T-G.
Other names: short protein forms N47H.
Identifiers: ClinVar variation 2026147 (VCV002026147.4), dbSNP rs1688640908, ClinGen allele CA349787306.